The following is an entry in ClinVar:

NM_001148.6(ANK2):c.9841C>G (p.Gln3281Glu)

Gene: ANK2 (ankyrin 2; plus strand). Cytogenetic location: 4q26.
Variant type: single nucleotide variant.
Coding change: c.9841C>G on transcript NM_001148.6 (MANE Select); coding-DNA position 9841, C replaced by G.
Protein change: p.Gln3281Glu; replaces glutamine 3281 with glutamic acid.
Molecular consequence: missense variant. On other transcripts: intron variant (68).
Genome position (GRCh38, 1-based): chr4:113,358,459, C>G. VCF-style: chr4-113358459-C-G. GRCh37 (hg19) VCF-style: chr4-114279615-C-G.
Other names: c.9607C>G, p.Gln3203Glu (NM_001386142.1); c.6241C>G, p.Gln2081Glu (NM_001386166.1); c.9982C>G, p.Gln3328Glu (NM_001386174.1); c.9958C>G, p.Gln3320Glu (NM_001386175.1); c.4412-2364C>G (NM_001386186.2, NM_001386148.2); c.4214-2364C>G (NM_001354269.3); c.4292-2364C>G (NM_001386187.2); c.4253-2364C>G (NM_001386147.1); and 35 more; short protein forms Q3281E, Q2081E, Q3203E, Q3320E, Q3328E.
Identifiers: ClinVar variation 429543 (VCV000429543.47), dbSNP rs372534074, ClinGen allele CA3051990.

ClinVar aggregate classification (germline): Conflicting classifications of pathogenicity. Review status: criteria provided, conflicting classifications (1 of 4 stars). 6 submissions from 6 submitters: Uncertain significance (3); Likely benign (3). Last evaluated 2025-10-01.

Conditions:
Long QT syndrome (LQTS). Identifiers: MedGen C0023976, MeSH D008133, MONDO:0002442. Disease mechanism: loss of function. Inheritance: Various modes of inheritance.
Cardiovascular phenotype. Identifiers: MedGen CN230736.
Cardiac arrhythmia, ankyrin-B-related. Also called: ANKYRIN-B SYNDROME. Identifiers: Orphanet 101016, Orphanet 768, MedGen C1970119, MONDO:0010958, OMIM 600919.

Allele frequency attached by ClinVar (database versions not stated): gnomAD 0.00011 and 0.00009; ExAC 0.00007; ESP Exome Variant Server 0.00008; TOPMed 0.00008.
gnomAD v4.1: 269 of 1,613,990 alleles (0.017%); highest among the groups gnomAD compares: Non-Finnish European, 0.022%; no homozygotes.

Submissions (6):

CeGaT Center for Human Genetics Tuebingen
Classification: Likely benign. Last evaluated: 2025-10-01. Review status: criteria provided, single submitter. Criteria: CeGaT Center For Human Genetics Tuebingen Variant Classification Criteria Version 2. Collection method: clinical testing. Allele origin: germline. Affected: yes. Observed: 3 variant alleles.
Comment: ANK2: BS2

Labcorp Genetics (formerly Invitae), Labcorp
Classification: Uncertain significance for Long QT syndrome. Last evaluated: 2025-09-23. Review status: criteria provided, single submitter. Criteria: Invitae Variant Classification Sherloc (09022015). Collection method: clinical testing. Allele origin: germline.
Comment: This sequence change replaces glutamine, which is neutral and polar, with glutamic acid, which is acidic and polar, at codon 3281 of the ANK2 protein (p.Gln3281Glu). This variant is present in population databases (rs372534074, gnomAD 0.02%). This variant has not been reported in the literature in individuals affected with ANK2-related conditions. ClinVar contains an entry for this variant (Variation ID: 429543). An algorithm developed to predict the effect of missense changes on protein structure and function outputs the following: PolyPhen-2: "Benign". The glutamic acid amino acid residue is found in multiple mammalian species, which suggests that this missense change does not adversely affect protein function. In summary, the available evidence is currently insufficient to determine the role of this variant in disease. Therefore, it has been classified as a Variant of Uncertain Significance.

GeneDx
Classification: Uncertain significance. Last evaluated: 2025-03-03. Review status: criteria provided, single submitter. Criteria: GeneDx Variant Classification Process June 2021. Collection method: clinical testing. Allele origin: germline. Affected: yes.
Comment: Has not been previously published as pathogenic or benign to our knowledge; Located in exon 38, which is reported as being expressed in a brain-specific transcript (PMID: 1830053, 18790697, 26109584); In silico analysis indicates that this missense variant does not alter protein structure/function; This variant is associated with the following publications: (PMID: 1830053, 18790697, 26109584)

Laboratory of Genetics, Children's Clinical University Hospital Latvia
Classification: Likely benign. Last evaluated: 2025-02-16. Review status: criteria provided, single submitter. Criteria: ACMG Guidelines, 2015. Collection method: clinical testing. Allele origin: germline. Affected: yes.

Fulgent Genetics
Classification: Uncertain significance for Cardiac arrhythmia, ankyrin-B-related. Last evaluated: 2021-08-20. Review status: criteria provided, single submitter. Criteria: ACMG Guidelines, 2015. Collection method: clinical testing. Allele origin: unknown.

Ambry Genetics
Classification: Likely benign for Cardiovascular phenotype. Last evaluated: 2019-08-23. Review status: criteria provided, single submitter. Criteria: Ambry Variant Classification Scheme 2023. Collection method: clinical testing. Allele origin: germline.